The following is an entry in ClinVar:

ClinVar aggregate classification (germline): Uncertain significance. Review status: criteria provided, multiple submitters, no conflicts (2 of 4 stars). 3 submissions from 3 submitters: Uncertain significance (3). Last evaluated 2024-11-01.

Conditions:
Inborn genetic diseases. Identifiers: MedGen C0950123, MeSH D030342.
Charcot-Marie-Tooth disease axonal type 2F (CMT2F). Also called: CHARCOT-MARIE-TOOTH DISEASE, NEURONAL, TYPE 2F; Charcot-Marie-Tooth Neuropathy Type 2F. Identifiers: Orphanet 99940, MedGen C1847823, MONDO:0011687, OMIM 606595.

Allele frequency attached by ClinVar (database versions not stated): ExAC 0.00001; TOPMed 0.00001; gnomAD 0.00003.

Submissions (3):

CeGaT Center for Human Genetics Tuebingen
Classification: Uncertain significance. Last evaluated: 2024-11-01. Review status: criteria provided, single submitter. Criteria: CeGaT Center For Human Genetics Tuebingen Variant Classification Criteria Version 2. Collection method: clinical testing. Allele origin: germline. Affected: yes. Observed: 1 variant allele.
Comment: HSPB1: PP3

Labcorp Genetics (formerly Invitae), Labcorp
Classification: Uncertain significance for Charcot-Marie-Tooth disease axonal type 2F. Last evaluated: 2024-09-05. Review status: criteria provided, single submitter. Criteria: Invitae Variant Classification Sherloc (09022015). Collection method: clinical testing. Allele origin: germline.
Comment: This sequence change replaces serine, which is neutral and polar, with asparagine, which is neutral and polar, at codon 15 of the HSPB1 protein (p.Ser15Asn). This variant is present in population databases (rs11547163, gnomAD 0.02%). This variant has not been reported in the literature in individuals affected with HSPB1-related conditions. ClinVar contains an entry for this variant (Variation ID: 1741034). Invitae Evidence Modeling of protein sequence and biophysical properties (such as structural, functional, and spatial information, amino acid conservation, physicochemical variation, residue mobility, and thermodynamic stability) has been performed for this missense variant. However, the output from this modeling did not meet the statistical confidence thresholds required to predict the impact of this variant on HSPB1 protein function. In summary, the available evidence is currently insufficient to determine the role of this variant in disease. Therefore, it has been classified as a Variant of Uncertain Significance.

Ambry Genetics
Classification: Uncertain significance for Inborn genetic diseases. Last evaluated: 2021-01-05. Review status: criteria provided, single submitter. Criteria: Ambry Variant Classification Scheme 2023. Collection method: clinical testing. Allele origin: germline.
Comment: The p.S15N variant (also known as c.44G>A), located in coding exon 1 of the HSPB1 gene, results from a G to A substitution at nucleotide position 44. The serine at codon 15 is replaced by asparagine, an amino acid with highly similar properties. This amino acid position is well conserved in available vertebrate species. In addition, this alteration is predicted to be tolerated by in silico analysis. Since supporting evidence is limited at this time, the clinical significance of this alteration remains unclear.

NM_001540.5(HSPB1):c.44G>A (p.Ser15Asn)

Gene: HSPB1 (heat shock protein family B (small) member 1; plus strand). Cytogenetic location: 7q11.23.
Variant type: single nucleotide variant.
Coding change: c.44G>A on transcript NM_001540.5 (MANE Select); coding-DNA position 44, G replaced by A.
Protein change: p.Ser15Asn; replaces serine 15 with asparagine.
Molecular consequence: missense variant.
Genome position (GRCh38, 1-based): chr7:76,302,756, G>A. VCF-style: chr7-76302756-G-A. GRCh37 (hg19) VCF-style: chr7-75932073-G-A.
Other names: short protein forms S15N.
Identifiers: ClinVar variation 1741034 (VCV001741034.18), dbSNP rs11547163, ClinGen allele CA4306242.